The following is an entry in ClinVar:

NM_000702.4(ATP1A2):c.1051C>G (p.Arg351Gly)

Gene: ATP1A2 (ATPase Na+/K+ transporting subunit alpha 2; plus strand). Cytogenetic location: 1q23.2.
Variant type: single nucleotide variant.
Coding change: c.1051C>G on transcript NM_000702.4 (MANE Select); coding-DNA position 1051, C replaced by G.
Protein change: p.Arg351Gly; replaces arginine 351 with glycine.
Molecular consequence: missense variant.
Genome position (GRCh38, 1-based): chr1:160,128,685, C>G. VCF-style: chr1-160128685-C-G. GRCh37 (hg19) VCF-style: chr1-160098475-C-G.
Other names: short protein forms R351G.
Identifiers: ClinVar variation 2014443 (VCV002014443.4), dbSNP rs751210232, ClinGen allele CA343239197.

ClinVar aggregate classification (germline): Uncertain significance (1 of 4 stars; one submission).

Conditions:
Familial hemiplegic migraine. Identifiers: MedGen C0338484, MONDO:0000700.

Submission:

Labcorp Genetics (formerly Invitae), Labcorp
Classification: Uncertain significance for Familial hemiplegic migraine. Last evaluated: 2022-09-01. Review status: criteria provided, single submitter. Criteria: Invitae Variant Classification Sherloc (09022015). Collection method: clinical testing. Allele origin: germline.
Comment: This variant has not been reported in the literature in individuals affected with ATP1A2-related conditions. This variant is not present in population databases (gnomAD no frequency). This sequence change replaces arginine, which is basic and polar, with glycine, which is neutral and non-polar, at codon 351 of the ATP1A2 protein (p.Arg351Gly). In summary, the available evidence is currently insufficient to determine the role of this variant in disease. Therefore, it has been classified as a Variant of Uncertain Significance. Advanced modeling of protein sequence and biophysical properties (such as structural, functional, and spatial information, amino acid conservation, physicochemical variation, residue mobility, and thermodynamic stability) performed at Invitae indicates that this missense variant is not expected to disrupt ATP1A2 protein function.